The following is an entry in ClinVar:

ClinVar aggregate classification (germline): Pathogenic. Review status: reviewed by expert panel (3 of 4 stars). 5 submissions from 5 submitters: Pathogenic (1). 4 of the submissions do not count toward it. Last evaluated 2016-09-08.

Conditions:
BRCA1-related disorder. Also called: BRCA1-related condition.
Hereditary breast ovarian cancer syndrome. Also called: Hereditary breast and ovarian cancer syndrome (HBOC); Hereditary breast and ovarian cancer syndrome; Hereditary breast and ovarian cancer; Hereditary breast and/or ovarian cancer syndrome; Breast and ovarian cancer; BRCA1- and BRCA2-Associated Hereditary Breast and Ovarian Cancer. Identifiers: Orphanet 145, MedGen C0677776, MeSH D061325, MONDO:0003582. Disease mechanism: loss of function.
Breast-ovarian cancer, familial, susceptibility to, 1 (BROVCA1). Also called: OVARIAN CANCER, SUSCEPTIBILITY TO; BRCA1 Hereditary Breast and Ovarian Cancer. Identifiers: Orphanet 145, MedGen C2676676, MONDO:0011450, OMIM 604370. Disease mechanism: loss of function.

Submissions (5):

Evidence-based Network for the Interpretation of Germline Mutant Alleles (ENIGMA)
Classification: Pathogenic for Breast-ovarian cancer, familial, susceptibility to, 1. Last evaluated: 2016-09-08. Review status: reviewed by expert panel. Criteria: ENIGMA BRCA1/2 Classification Criteria (2015). Collection method: curation. Allele origin: germline.
Comment: Variant allele predicted to encode a truncated non-functional protein.

Labcorp Genetics (formerly Invitae), Labcorp
Classification: Pathogenic for Hereditary breast ovarian cancer syndrome. Last evaluated: 2021-08-18. Review status: criteria provided, single submitter. Criteria: Invitae Variant Classification Sherloc (09022015). Collection method: clinical testing. Allele origin: germline. Not counted in ClinVar's aggregate classification.
Comment: This sequence change creates a premature translational stop signal (p.Phe517Leufs*15) in the BRCA1 gene. It is expected to result in an absent or disrupted protein product. This variant is not present in population databases (ExAC no frequency). This variant has been observed in a family affected with breast cancer (PMID: 22762150). ClinVar contains an entry for this variant (Variation ID: 54289). Loss-of-function variants in BRCA1 are known to be pathogenic (PMID: 20104584). For these reasons, this variant has been classified as Pathogenic.

Consortium of Investigators of Modifiers of BRCA1/2 (CIMBA), c/o University of Cambridge
Classification: Pathogenic for Breast-ovarian cancer, familial, susceptibility to, 1. Last evaluated: 2015-10-02. Review status: criteria provided, single submitter. Criteria: CIMBA Mutation Classification guidelines May 2016. Collection method: clinical testing. Allele origin: germline. Not counted in ClinVar's aggregate classification.

PreventionGenetics, part of Exact Sciences
Classification: Pathogenic for BRCA1-related condition. Last evaluated: 2023-11-18. Review status: no assertion criteria provided. Collection method: clinical testing. Allele origin: germline. Not counted in ClinVar's aggregate classification.
Comment: The BRCA1 c.1551delT variant is predicted to result in a frameshift and premature protein termination (p.Phe517Leufs*15). This variant was reported in an individual from a breast cancer registry, although no clinical information was provided (Supplement, Lecarpentier et al. 2012. PubMed ID: 22762150). It has also been reported in an individual with Merkel cell carcinoma (Table 2, Gaubert et al. 2023. PubMed ID: 36754117). This variant has not been reported in a large population database, indicating this variant is rare. It is interpreted as pathogenic in ClinVar. Frameshift variants in BRCA1 are expected to be pathogenic. This variant is interpreted as pathogenic.

Breast Cancer Information Core (BIC) (BRCA1)
Classification: Pathogenic for Breast-ovarian cancer, familial 1. Review status: no assertion criteria provided. Collection method: clinical testing. Allele origin: germline. Affected: yes. Observed: 1 variant allele. Not counted in ClinVar's aggregate classification.

Literature cited by the submitters: PubMed 22762150 (cited by Labcorp Genetics (formerly Invitae), Labcorp); PubMed 20104584 (cited by Labcorp Genetics (formerly Invitae), Labcorp).

NM_007294.4(BRCA1):c.1551del (p.Phe517fs)

Gene: BRCA1 (BRCA1 DNA repair associated; minus strand). Cytogenetic location: 17q21.31.
Variant type: Deletion.
Coding change: c.1551del on transcript NM_007294.4 (MANE Select); coding-DNA position 1551, one base deleted (T; older notation c.1551delT).
Protein change: p.Phe517fs; shifts the reading frame from phenylalanine 517.
Molecular consequence: frameshift variant. On other transcripts: intron variant (137).
Genome position (GRCh38, 1-based): chr17:43,093,980, A deleted on the plus strand (T on the coding strand, the reverse complement: BRCA1 is on the minus strand); the first of 4 consecutive A bases (chr17:43,093,980-43,093,983); deleting any one gives the same sequence. VCF-style (leftmost placement, unchanged base first): chr17-43093979-TA-T. GRCh37 (hg19) VCF-style: chr17-41245996-TA-T.
Other names: 1670delT; c.1551delT (NM_007294.3); c.1410del, p.Phe470fs (NM_001407727.1, NM_001407728.1, NM_001407729.1 and 29 more transcripts); c.1407del, p.Phe469fs (NM_001407740.1, NM_001407741.1, NM_001407742.1 and 20 more transcripts); c.1338del, p.Phe446fs (NM_001407853.1, NM_001407894.1, NM_001407895.1 and 9 more transcripts); c.1551del, p.Phe517fs (NM_001407854.1, NM_001407858.1, NM_001407859.1 and 30 more transcripts); c.1548del, p.Phe516fs (NM_001407860.1, NM_001407861.1, NM_001407587.1 and 22 more transcripts); c.1350del, p.Phe450fs (NM_001407862.1); and 42 more; short protein forms F517fs, F470fs, F221fs, F390fs, F406fs, F429fs, F447fs, F449fs.
Identifiers: ClinVar variation 54289 (VCV000054289.15), dbSNP rs80357630, ClinGen allele CA001040.